The following is an entry in ClinVar:

ClinVar aggregate classification (germline): Uncertain significance (1 of 4 stars; one submission).

Conditions:
Bloom syndrome (BLM). Also called: Bloom-Torre-Machacek syndrome. Identifiers: Orphanet 125, MedGen C0005859, MONDO:0008876, OMIM 210900.

Submission:

Labcorp Genetics (formerly Invitae), Labcorp
Classification: Uncertain significance for Bloom syndrome. Last evaluated: 2025-07-22. Review status: criteria provided, single submitter. Criteria: Invitae Variant Classification Sherloc (09022015). Collection method: clinical testing. Allele origin: germline.
Comment: This sequence change replaces lysine, which is basic and polar, with glutamic acid, which is acidic and polar, at codon 1002 of the BLM protein (p.Lys1002Glu). This variant is present in population databases (rs768296840, gnomAD 0.0009%). This variant has not been reported in the literature in individuals affected with BLM-related conditions. Invitae Evidence Modeling of protein sequence and biophysical properties (such as structural, functional, and spatial information, amino acid conservation, physicochemical variation, residue mobility, and thermodynamic stability) indicates that this missense variant is not expected to disrupt BLM protein function with a negative predictive value of 80%. In summary, the available evidence is currently insufficient to determine the role of this variant in disease. Therefore, it has been classified as a Variant of Uncertain Significance.

NM_000057.4(BLM):c.3004A>G (p.Lys1002Glu)

Gene: BLM (BLM RecQ like helicase; plus strand). Cytogenetic location: 15q26.1.
Variant type: single nucleotide variant.
Coding change: c.3004A>G on transcript NM_000057.4 (MANE Select); coding-DNA position 3004, A replaced by G.
Protein change: p.Lys1002Glu; replaces lysine 1002 with glutamic acid.
Molecular consequence: missense variant.
Genome position (GRCh38, 1-based): chr15:90,790,829, A>G. VCF-style: chr15-90790829-A-G. GRCh37 (hg19) VCF-style: chr15-91334059-A-G.
Other names: c.3004A>G, p.Lys1002Glu (NM_001287246.2, NM_001287247.2); c.1879A>G, p.Lys627Glu (NM_001287248.2); short protein forms K1002E, K627E.
Identifiers: ClinVar variation 4806141 (VCV004806141.1).